The following is an entry in ClinVar:

ClinVar aggregate classification (germline): Pathogenic (1 of 4 stars; one submission).

Submission:

Clinical Genomics Laboratory, Laboratory for Precision Diagnostics, University of Washington
Classification: Pathogenic. Last evaluated: 2022-08-03. Review status: criteria provided, single submitter. Criteria: ACMG/ClinGen CNV Guidelines, 2019. Collection method: clinical testing. Allele origin: unknown. Affected: yes. Observed: 1 variant allele.
Comment: This is the 22q11.21 LCRA-D deletion found in the large majority of people with 22q11.2 deletion syndrome.

Literature cited by the submitters: PubMed 25962607.

GRCh38/hg38 22q11.21(chr22:18874235-21109443)x1

Genes: AIFM3 (AIF family member 3; plus strand), ARVCF (ARVCF delta catenin family member; minus strand), C22orf39 (chromosome 22 open reading frame 39; minus strand), CCDC188 (coiled-coil domain containing 188; minus strand), CDC45 (cell division cycle 45; plus strand) and 173 more. Cytogenetic location: 22q11.21.
Variant type: copy number loss.
Change: copy number 1 (one copy instead of two) of chr22:18,874,235-21,109,443 (2.24 Mb, GRCh38 coordinates, 1-based), cytogenetic band 22q11.21.
Identifiers: ClinVar variation 4852052 (VCV004852052.1).